The following is an entry in ClinVar:

NM_000465.4(BARD1):c.365-14dup

Gene: BARD1 (BRCA1 associated RING domain 1; minus strand). Cytogenetic location: 2q35.
Variant type: Duplication.
Coding change: c.365-14dup on transcript NM_000465.4 (MANE Select); 14 bases into the intron before coding-DNA position 365, one base duplicated (T; older notation c.365-14dupT).
Molecular consequence: intron variant.
Genome position (GRCh38, 1-based): chr2:214,781,517, A duplicated on the plus strand (T on the coding strand, the reverse complement: BARD1 is on the minus strand); the first of 7 consecutive A bases (chr2:214,781,517-214,781,523); duplicating any one gives the same sequence. VCF-style (leftmost placement, unchanged base first): chr2-214781516-G-GA. GRCh37 (hg19) VCF-style: chr2-215646240-G-GA.
Other names: c.365-14dup (LRG_297t1); c.365-8dup (NM_000465.4); c.158+27889dup (NM_001282548.2); c.308-14dup (NM_001282543.2); c.215+15538dup (NM_001282545.2); c.364+10774dup (NM_001282549.2).
Identifiers: ClinVar variation 619617 (VCV000619617.14), dbSNP rs776103948, ClinGen allele CA539837325.

ClinVar aggregate classification (germline): Conflicting classifications of pathogenicity. Review status: criteria provided, conflicting classifications (1 of 4 stars). 4 submissions from 4 submitters: Uncertain significance (1); Benign (1); Likely benign (2). Last evaluated 2025-07-31.

Conditions:
Hereditary cancer-predisposing syndrome. Also called: Neoplastic Syndromes, Hereditary; Hereditary neoplastic syndrome; Tumor predisposition; Hereditary Cancer Syndrome. Identifiers: Orphanet 140162, MedGen C0027672, MeSH D009386, MONDO:0015356.
Familial cancer of breast. Also called: hereditary breast carcinoma; Hereditary breast cancer; BREAST CANCER, FAMILIAL. Identifiers: Orphanet 227535, MedGen C0346153, MONDO:0016419, OMIM 114480. Disease mechanism: loss of function.

Submissions (4):

Labcorp Genetics (formerly Invitae), Labcorp
Classification: Benign for Familial cancer of breast. Last evaluated: 2025-07-31. Review status: criteria provided, single submitter. Criteria: Invitae Variant Classification Sherloc (09022015). Collection method: clinical testing. Allele origin: germline.

Myriad Genetics, Inc.
Classification: Likely benign for Familial cancer of breast. Last evaluated: 2024-07-19. Review status: criteria provided, single submitter. Criteria: Myriad Autosomal Dominant, Autosomal Recessive and X-Linked Classification Criteria (2023). Collection method: clinical testing. Allele origin: unknown.
Comment: This variant is considered likely benign. This variant is intronic and is not expected to impact mRNA splicing.

Color Diagnostics, LLC DBA Color Health
Classification: Likely benign for Hereditary cancer-predisposing syndrome. Last evaluated: 2020-08-03. Review status: criteria provided, single submitter. Criteria: ACMG Guidelines, 2015. Collection method: clinical testing. Allele origin: germline.

Quest Diagnostics Nichols Institute San Juan Capistrano
Classification: Uncertain significance. Last evaluated: 2018-02-15. Review status: criteria provided, single submitter. Criteria: Quest Diagnostics criteria. Collection method: clinical testing. Allele origin: germline.